The following is an entry in ClinVar:

ClinVar aggregate classification (germline): Uncertain significance. Review status: criteria provided, multiple submitters, no conflicts (2 of 4 stars). 3 submissions from 3 submitters: Uncertain significance (3). Last evaluated 2026-02-26.

Conditions:
CEP164-related disorder. Also called: CEP164-related condition.
Inborn genetic diseases. Identifiers: MedGen C0950123, MeSH D030342.
Nephronophthisis 15 (NPHP15). Identifiers: Orphanet 3156, MedGen C3541853, MONDO:0013917, OMIM 614845.

Allele frequency attached by ClinVar (database versions not stated): TOPMed 0.00003; gnomAD 0.00004.

Submissions (3):

PreventionGenetics, part of Exact Sciences
Classification: Uncertain significance for CEP164-related condition. Last evaluated: 2026-02-26. Review status: criteria provided, single submitter. Criteria: ACMG Guidelines, 2015. Collection method: clinical testing. Allele origin: germline.
Comment: The CEP164 c.529C>T variant is predicted to result in the amino acid substitution p.Arg177Cys. To our knowledge, this variant has not been reported in the literature. This variant is reported in 0.0059% of alleles in individuals of European (Non-Finnish) descent in gnomAD. At this time, the clinical significance of this variant is uncertain due to the absence of conclusive functional and genetic evidence.

Ambry Genetics
Classification: Uncertain significance for Inborn genetic diseases. Last evaluated: 2025-05-07. Review status: criteria provided, single submitter. Criteria: Ambry Variant Classification Scheme 2023. Collection method: clinical testing. Allele origin: germline.

Labcorp Genetics (formerly Invitae), Labcorp
Classification: Uncertain significance for Nephronophthisis 15. Last evaluated: 2023-12-18. Review status: criteria provided, single submitter. Criteria: Invitae Variant Classification Sherloc (09022015). Collection method: clinical testing. Allele origin: germline.
Comment: This sequence change replaces arginine, which is basic and polar, with cysteine, which is neutral and slightly polar, at codon 177 of the CEP164 protein (p.Arg177Cys). This variant is present in population databases (rs774763557, gnomAD 0.006%). This variant has not been reported in the literature in individuals affected with CEP164-related conditions. ClinVar contains an entry for this variant (Variation ID: 1044223). An algorithm developed to predict the effect of missense changes on protein structure and function (PolyPhen-2) suggests that this variant¬†is likely to be tolerated. In summary, the available evidence is currently insufficient to determine the role of this variant in disease. Therefore, it has been classified as a Variant of Uncertain Significance.

NM_014956.5(CEP164):c.529C>T (p.Arg177Cys)

Gene: CEP164 (centrosomal protein 164; plus strand). Cytogenetic location: 11q23.3.
Variant type: single nucleotide variant.
Coding change: c.529C>T on transcript NM_014956.5 (MANE Select); coding-DNA position 529, C replaced by T.
Protein change: p.Arg177Cys; replaces arginine 177 with cysteine.
Molecular consequence: missense variant.
Genome position (GRCh38, 1-based): chr11:117,361,970, C>T. VCF-style: chr11-117361970-C-T. GRCh37 (hg19) VCF-style: chr11-117232686-C-T.
Other names: c.529C>T, p.Arg177Cys (NM_001271933.2); c.529C>T (NM_014956.4); short protein forms R177C.
Identifiers: ClinVar variation 1044223 (VCV001044223.8), dbSNP rs774763557, ClinGen allele CA6294505.
Genomic context (GRCh38, chr11:117,361,970, plus strand): 5'-CCACCCTCTGCTCTTCGTGGATCTCAAAGCGTGAGCCTGGGGAGCTCAGTGGAGTCTGGA[C>T]GTCAGCTTGGAGAACTCATGCTGGTAAGTACGTTCTCTTGCGTTCAGTGTCTGTAGTTCC-3'
Protein context (NP_055771.4, residues 167-187): VSLGSSVESG[Arg177Cys]QLGELMLPSQ